The following is an entry in ClinVar:

ClinVar aggregate classification (germline): Uncertain significance (1 of 4 stars; one submission).

gnomAD v4.1: 7 of 1,567,362 alleles (0.00045%); highest among the groups gnomAD compares: Non-Finnish European, 0.00061%; no homozygotes.

Submission:

Labcorp Genetics (formerly Invitae), Labcorp
Classification: Uncertain significance. Last evaluated: 2024-10-30. Review status: criteria provided, single submitter. Criteria: Invitae Variant Classification Sherloc (09022015). Collection method: clinical testing. Allele origin: germline.
Comment: This sequence change replaces alanine, which is neutral and non-polar, with serine, which is neutral and polar, at codon 291 of the CLCN7 protein (p.Ala291Ser). This variant is not present in population databases (gnomAD no frequency). This variant has not been reported in the literature in individuals affected with CLCN7-related conditions. ClinVar contains an entry for this variant (Variation ID: 1716927). An algorithm developed to predict the effect of missense changes on protein structure and function (PolyPhen-2) suggests that this variant is likely to be disruptive. In summary, the available evidence is currently insufficient to determine the role of this variant in disease. Therefore, it has been classified as a Variant of Uncertain Significance.

NM_001287.6(CLCN7):c.871G>T (p.Ala291Ser)

Gene: CLCN7 (chloride voltage-gated channel 7; minus strand). Cytogenetic location: 16p13.3.
Variant type: single nucleotide variant.
Coding change: c.871G>T on transcript NM_001287.6 (MANE Select); coding-DNA position 871, G replaced by T.
Protein change: p.Ala291Ser; replaces alanine 291 with serine.
Molecular consequence: missense variant.
Genome position (GRCh38, 1-based): chr16:1,456,158, C>A on the plus strand (G>T on the coding strand, the complement: CLCN7 is on the minus strand). VCF-style: chr16-1456158-C-A. GRCh37 (hg19) VCF-style: chr16-1506159-C-A.
Other names: c.799G>T, p.Ala267Ser (NM_001114331.3); short protein forms A267S, A291S.
Identifiers: ClinVar variation 1716927 (VCV001716927.5), dbSNP rs923808258, ClinGen allele CA394190352.